The following is an entry in ClinVar:

NM_001018115.3(FANCD2):c.1652T>C (p.Ile551Thr)

Genes: FANCD2 (FA complementation group D2; plus strand), LOC107303338 (3p25 FANCD2 Alu-mediated recombination region; plus strand). Cytogenetic location: 3p25.3.
Variant type: single nucleotide variant.
Coding change: c.1652T>C on transcript NM_001018115.3 (MANE Select); coding-DNA position 1652, T replaced by C.
Protein change: p.Ile551Thr; replaces isoleucine 551 with threonine.
Molecular consequence: missense variant. On other transcripts: intron variant (1).
Genome position (GRCh38, 1-based): chr3:10,052,493, T>C. VCF-style: chr3-10052493-T-C. GRCh37 (hg19) VCF-style: chr3-10094177-T-C.
Other names: c.1652T>C, p.Ile551Thr (NM_001319984.2, NM_001374254.1, NM_033084.6); c.1545+2988T>C (NM_001374253.1); c.1652T>C (NM_033084.4); short protein forms I551T.
Identifiers: ClinVar variation 2484178 (VCV002484178.5), dbSNP rs777339430, ClinGen allele CA2249733.
Genomic context (GRCh38, chr3:10,052,493, plus strand): 5'-AACTCTTCTATGTTCTCAGCACACTGGCATTTAGCAAACAGAATGAAGCCAGCAGCCACA[T>C]CCAGGTAAGAGGCAATATGTTGGGAAAGATTTTTTTTTTTTTGAGACAGAGTCTAGCTCT-3'
Protein context (NP_001018125.1, residues 541-561): FSKQNEASSH[Ile551Thr]QDDMHLVIRK

ClinVar aggregate classification (germline): Uncertain significance. Review status: criteria provided, multiple submitters, no conflicts (2 of 4 stars). 3 submissions from 3 submitters: Uncertain significance (3). Last evaluated 2024-05-07.

Conditions:
Inborn genetic diseases. Identifiers: MedGen C0950123, MeSH D030342.
Fanconi anemia (FA). Also called: Fanconi's anemia. Identifiers: Orphanet 84, MedGen C0015625, MeSH D005199, MONDO:0019391.
Fanconi anemia complementation group D2. Also called: FANCD2-Related Fanconi Anemia; FANCONI PANCYTOPENIA, TYPE 4; FANCONI ANEMIA, COMPLEMENTATION GROUP D. Identifiers: Orphanet 84, MedGen C3160738, MONDO:0009214, OMIM 227646.

Allele frequency attached by ClinVar (database versions not stated): ExAC 0.00001; gnomAD 0.00002; gnomAD exomes 0.00002; TOPMed 0.00002.
gnomAD v4.1: 37 of 1,605,682 alleles (0.0023%); highest among the groups gnomAD compares: Non-Finnish European, 0.0031%; no homozygotes.

Submissions (3):

Labcorp Genetics (formerly Invitae), Labcorp
Classification: Uncertain significance for Fanconi anemia. Last evaluated: 2024-05-07. Review status: criteria provided, single submitter. Criteria: Invitae Variant Classification Sherloc (09022015). Collection method: clinical testing. Allele origin: germline.
Comment: This sequence change replaces isoleucine, which is neutral and non-polar, with threonine, which is neutral and polar, at codon 551 of the FANCD2 protein (p.Ile551Thr). This variant is present in population databases (rs777339430, gnomAD 0.004%). This variant has not been reported in the literature in individuals affected with FANCD2-related conditions. ClinVar contains an entry for this variant (Variation ID: 2484178). Advanced modeling of protein sequence and biophysical properties (such as structural, functional, and spatial information, amino acid conservation, physicochemical variation, residue mobility, and thermodynamic stability) performed at Invitae indicates that this missense variant is expected to disrupt FANCD2 protein function with a positive predictive value of 80%. In summary, the available evidence is currently insufficient to determine the role of this variant in disease. Therefore, it has been classified as a Variant of Uncertain Significance.

Fulgent Genetics
Classification: Uncertain significance for Fanconi anemia complementation group D2. Last evaluated: 2024-04-23. Review status: criteria provided, single submitter. Criteria: ACMG Guidelines, 2015. Collection method: clinical testing. Allele origin: germline.

Ambry Genetics
Classification: Uncertain significance for Inborn genetic diseases. Last evaluated: 2023-02-15. Review status: criteria provided, single submitter. Criteria: Ambry Variant Classification Scheme 2023. Collection method: clinical testing. Allele origin: germline.